The following is an entry in ClinVar:

NM_001379610.1(SPINK1):c.177G>A (p.Val59=)

Gene: SPINK1 (serine peptidase inhibitor Kazal type 1; minus strand). Cytogenetic location: 5q32.
Variant type: single nucleotide variant.
Coding change: c.177G>A on transcript NM_001379610.1 (MANE Select); coding-DNA position 177, G replaced by A.
Protein change: p.Val59=; no amino-acid change (valine 59 retained).
Molecular consequence: synonymous variant.
Genome position (GRCh38, 1-based): chr5:147,828,039, C>T on the plus strand (G>A on the coding strand, the complement: SPINK1 is on the minus strand). VCF-style: chr5-147828039-C-T. GRCh37 (hg19) VCF-style: chr5-147207602-C-T.
Other names: c.177G>A, p.Val59= (NM_001354966.2, NM_003122.5); c.177G>A (NM_003122.4).
Identifiers: ClinVar variation 1093005 (VCV001093005.14), dbSNP rs750670272, ClinGen allele CA3494777.
Genomic context (GRCh38, chr5:147,828,039, plus strand): 5'-ACTTAAAATATATAGTTTAAAAGAAACTCAAGTTTGTACTCACCGATTTTCAAAACATAA[C>T]ACGCATTCATTGGGATAAGTATTTCCATCAGTCCCACAGACAGGGTCATATATCTTGGTG-3'
Protein context (NP_001366539.1, residues 49-69): TDGNTYPNEC[Val59=]LCFENRKRQT

ClinVar aggregate classification (germline): Likely benign. Review status: criteria provided, multiple submitters, no conflicts (2 of 4 stars). 4 submissions from 4 submitters: Likely benign (3). 1 of the submissions does not count toward it. Last evaluated 2024-09-19.

Conditions:
SPINK1-related disorder. Also called: SPINK1-related condition.
Hereditary pancreatitis (PCTT). Also called: Hereditary chronic pancreatitis; PRSS1-Related Hereditary Pancreatitis. Identifiers: Orphanet 676, MedGen C0238339, MONDO:0008185, OMIM 167800.

Allele frequency attached by ClinVar (database versions not stated): gnomAD 0.00001; gnomAD exomes 0.00001 and 0.00002; ExAC 0.00002.
gnomAD v4.1: 32 of 1,612,862 alleles (0.002%); highest among the groups gnomAD compares: South Asian, 0.0044%; no homozygotes.

Submissions (4):

Labcorp Genetics (formerly Invitae), Labcorp
Classification: Likely benign for Hereditary pancreatitis. Last evaluated: 2024-09-19. Review status: criteria provided, single submitter. Criteria: Invitae Variant Classification Sherloc (09022015). Collection method: clinical testing. Allele origin: germline.

Ambry Genetics
Classification: Likely benign for Hereditary pancreatitis. Last evaluated: 2022-08-22. Review status: criteria provided, single submitter. Criteria: Ambry Variant Classification Scheme 2023. Collection method: clinical testing. Allele origin: germline.

Blueprint Genetics
Classification: Likely benign. Last evaluated: 2021-03-08. Review status: criteria provided, single submitter. Criteria: ACMG Guidelines, 2015. Collection method: clinical testing. Allele origin: germline.

PreventionGenetics, part of Exact Sciences
Classification: Likely benign for SPINK1-related condition. Last evaluated: 2021-02-22. Review status: no assertion criteria provided. Collection method: clinical testing. Allele origin: germline. Not counted in ClinVar's aggregate classification.
Comment: This variant is classified as likely benign based on ACMG/AMP sequence variant interpretation guidelines (Richards et al. 2015 PMID: 25741868, with internal and published modifications).